The following is an entry in ClinVar:

ClinVar aggregate classification (germline): Uncertain significance (1 of 4 stars; one submission).

Conditions:
Neuropathy, hereditary sensory and autonomic, type 2A (HSAN2A). Also called: HSAN IIA; ACROOSTEOLYSIS, GIACCAI TYPE; ACROOSTEOLYSIS, NEUROGENIC; WNK1-Related HSAN2 (HSAN2A); MORVAN DISEASE; NEUROPATHY, CONGENITAL SENSORY. Identifiers: Orphanet 970, MedGen C2752089, MONDO:0024309, OMIM 201300.
Generalized epilepsy with febrile seizures plus, type 7 (GEFSP7). Also called: GEFS+, TYPE 7. Identifiers: Orphanet 36387, MedGen C2751778, MONDO:0013470, OMIM 613863.

Allele frequency attached by ClinVar (database versions not stated): ExAC below 0.00001; gnomAD exomes below 0.00001 and 0.00001; gnomAD 0.00001; TOPMed 0.00001.
gnomAD v4.1: 10 of 1,586,986 alleles (0.00063%); highest among the groups gnomAD compares: Admixed American, 0.0018%; no homozygotes.

Submission:

Labcorp Genetics (formerly Invitae), Labcorp
Classification: Uncertain significance for Neuropathy, hereditary sensory and autonomic, type 2A; Generalized epilepsy with febrile seizures plus, type 7. Last evaluated: 2025-07-14. Review status: criteria provided, single submitter. Criteria: Invitae Variant Classification Sherloc (09022015). Collection method: clinical testing. Allele origin: germline.
Comment: This sequence change replaces tryptophan, which is neutral and slightly polar, with arginine, which is basic and polar, at codon 702 of the SCN9A protein (p.Trp702Arg). This variant is present in population databases (rs200879772, gnomAD 0.003%). This variant has not been reported in the literature in individuals affected with SCN9A-related conditions. ClinVar contains an entry for this variant (Variation ID: 575949). Invitae Evidence Modeling of protein sequence and biophysical properties (such as structural, functional, and spatial information, amino acid conservation, physicochemical variation, residue mobility, and thermodynamic stability) indicates that this missense variant is not expected to disrupt SCN9A protein function with a negative predictive value of 95%. In summary, the available evidence is currently insufficient to determine the role of this variant in disease. Therefore, it has been classified as a Variant of Uncertain Significance.

NM_001365536.1(SCN9A):c.2137T>A (p.Trp713Arg)

Genes: SCN1A-AS1 (SCN1A and SCN9A antisense RNA 1; plus strand), SCN9A (sodium voltage-gated channel alpha subunit 9; minus strand). Cytogenetic location: 2q24.3.
Variant type: single nucleotide variant.
Coding change: c.2137T>A on transcript NM_001365536.1 (MANE Select); coding-DNA position 2137, T replaced by A.
Protein change: p.Trp713Arg; replaces tryptophan 713 with arginine.
Molecular consequence: missense variant.
Genome position (GRCh38, 1-based): chr2:166,280,563, A>T on the plus strand (T>A on the coding strand, the complement: SCN9A is on the minus strand). VCF-style: chr2-166280563-A-T. GRCh37 (hg19) VCF-style: chr2-167137073-A-T.
Other names: c.2104T>A, p.Trp702Arg (NM_002977.4); short protein forms W702R, W713R.
Identifiers: ClinVar variation 575949 (VCV000575949.9), dbSNP rs200879772, ClinGen allele CA1944322.